The following is an entry in ClinVar:

ClinVar aggregate classification (germline): Likely pathogenic. Review status: reviewed by expert panel (3 of 4 stars). 7 submissions from 7 submitters: Likely pathogenic (1). 6 of the submissions do not count toward it. Last evaluated 2018-08-13.

Conditions:
Phenylketonuria (PKU). Also called: Phenylketonuria (PKU); FOLLING DISEASE; OLIGOPHRENIA PHENYLPYRUVICA; Phenylketonurias. Identifiers: Orphanet 716, MedGen C0031485, MONDO:0009861, OMIM 261600. Disease mechanism: loss of function.

Allele frequency attached by ClinVar (database versions not stated): gnomAD exomes 0.00002; TOPMed below 0.00001; ExAC 0.00001.
gnomAD v4.1: 37 of 1,614,120 alleles (0.0023%); highest among the groups gnomAD compares: Non-Finnish European, 0.0031%; no homozygotes.

Submissions (7):

ClinGen PAH Variant Curation Expert Panel
Classification: Likely pathogenic for Phenylketonuria. Last evaluated: 2018-08-13. Review status: reviewed by expert panel. Criteria: ClinGen PAH ACMG Specifications v1. Collection method: curation. Allele origin: germline. Inheritance: Autosomal recessive inheritance.
Comment: PAH-specific ACMG/AMP criteria applied: PM2: Absent from 1000G, ESP. gnomAD MAF:0.00004.; PP3: Predicted deleterious in SIFT, Polyphen-2, MutationTaster. REVEL=0.899; PM3_Strong: Detected in trans with V245A and R261X, both pathogenic (PMID:7981714; PMID:16601866); PP4_Moderate: Detected in 3 patients (1 HPA, 1 PKU). BH4 deficiency excluded in 2 patients. (PMID:8533759; PMID:7981714; PMID:9012412; PMID:16601866). In summary this variant meets criteria to be classified as likely pathogenic for phenylketonuria in an autosomal recessive manner based on the ACMG/AMP criteria applied as specified by the PAH Expert Panel: (PM2, PP3, PM3_Strong, PP4_Moderate).

Women's Health and Genetics/Laboratory Corporation of America, LabCorp
Classification: Pathogenic for Phenylketonuria. Last evaluated: 2026-05-26. Review status: criteria provided, single submitter. Criteria: LabCorp Variant Classification Summary - May 2015. Collection method: clinical testing. Allele origin: germline. Not counted in ClinVar's aggregate classification.
Comment: Variant summary: PAH c.581T>C (p.Leu194Pro) results in a non-conservative amino acid change in the encoded protein sequence. Algorithms developed to predict the effect of missense changes on protein structure and function all suggest that this variant is likely to be disruptive. The variant allele was found at a frequency of 2e-05 in 251338 control chromosomes. c.581T>C has been observed in individual(s) affected with Phenylalanine Hydroxylase Deficiency (Phenylketonuria), including as a compound heterozygous genotype (e.g. Utz_2012, Bik-Multanowski_2021, Jeannesson-Thivisol_2015, Ho_2014). These data indicate that the variant is likely to be associated with disease. A different variant affecting the same codon has been classified as likely pathogenic/pathogenic by our lab (c.581T>G, p.Leu194Arg), supporting the critical relevance of codon 194 to PAH protein function. To our knowledge, no experimental evidence demonstrating an impact on protein function has been reported. The following publications have been ascertained in the context of this evaluation (PMID: 33868932, 24368688, 26666653, 22112818). ClinVar contains an entry for this variant (Variation ID: 102742). Based on the evidence outlined above, the variant was classified as pathogenic.

Labcorp Genetics (formerly Invitae), Labcorp
Classification: Pathogenic for Phenylketonuria. Last evaluated: 2025-08-03. Review status: criteria provided, single submitter. Criteria: Invitae Variant Classification Sherloc (09022015). Collection method: clinical testing. Allele origin: germline. Not counted in ClinVar's aggregate classification.
Comment: This sequence change replaces leucine, which is neutral and non-polar, with proline, which is neutral and non-polar, at codon 194 of the PAH protein (p.Leu194Pro). This variant is present in population databases (rs5030844, gnomAD 0.004%). This missense change has been observed in individual(s) with phenylketonuria or hyperphenilalanemia (PMID: 7981714, 16601866, 22112818, 23430918, 24350308, 24368688, 26666653). ClinVar contains an entry for this variant (Variation ID: 102742). Invitae Evidence Modeling of protein sequence and biophysical properties (such as structural, functional, and spatial information, amino acid conservation, physicochemical variation, residue mobility, and thermodynamic stability) indicates that this missense variant is expected to disrupt PAH protein function with a positive predictive value of 80%. This variant disrupts the p.Leu194 amino acid residue in PAH. Other variant(s) that disrupt this residue have been observed in individuals with PAH-related conditions (PMID: 20920871), which suggests that this may be a clinically significant amino acid residue. For these reasons, this variant has been classified as Pathogenic.

GeneDx
Classification: Pathogenic. Last evaluated: 2024-10-14. Review status: criteria provided, single submitter. Criteria: GeneDx Variant Classification Process June 2021. Collection method: clinical testing. Allele origin: germline. Affected: yes. Not counted in ClinVar's aggregate classification.
Comment: Not observed at significant frequency in large population cohorts (gnomAD); In silico analysis supports that this missense variant has a deleterious effect on protein structure/function; This variant is associated with the following publications: (PMID: 11588399, 26655635, 9399896, 10394930, 9012412, 8533759, 24368688, 7477014, 9634518, 22112818, 12173030, 24350308, 23430918, 17924342, 16601866, 7981714, 26666653, 32778825, 32668217)

Natera, Inc.
Classification: Pathogenic for Phenylketonuria. Last evaluated: 2024-07-10. Review status: criteria provided, single submitter. Criteria: Natera Variant Classification Schema (03/2026). Collection method: clinical testing. Allele origin: germline. Not counted in ClinVar's aggregate classification.
Comment: The c.581T>C variant in PAH is a missense variant predicted to cause substitution of leucine to proline at amino acid 194. This variant is rare in the general population with a frequency below the threshold expected for the associated phenotype(s). This variant has been observed in one or more individuals affected with the associated recessive disease, as either homozygous or compound heterozygous with a second variant (PMID: 32668217, 26655635). Computational prediction algorithms indicate this variant is likely to affect gene or protein function. Given the available evidence, this variant is classified as Pathogenic.

Counsyl
Classification: Likely pathogenic for Phenylketonuria. Last evaluated: 2016-03-29. Review status: no assertion criteria provided. Collection method: clinical testing. Allele origin: unknown. Not counted in ClinVar's aggregate classification.

DeBelle Laboratory for Biochemical Genetics, MUHC/MCH RESEARCH INSTITUTE
No classification provided. Review status: no classification provided. Collection method: not provided. Allele origin: not provided. Not counted in ClinVar's aggregate classification.

Literature cited by the submitters: PubMed 7981714 (cited by 3 submitters); PubMed 8533759 (cited by ClinGen PAH Variant Curation Expert Panel and Counsyl); PubMed 16601866 (cited by 3 submitters); PubMed 9012412 (cited by ClinGen PAH Variant Curation Expert Panel and Counsyl); PubMed 24368688 (cited by 3 submitters); PubMed 26666653 (cited by 3 submitters); PubMed 22112818 (cited by 3 submitters); PubMed 33868932 (cited by Women's Health and Genetics/Laboratory Corporation of America, LabCorp); PubMed 23430918 (cited by Labcorp Genetics (formerly Invitae), Labcorp and Counsyl); PubMed 24350308 (cited by Labcorp Genetics (formerly Invitae), Labcorp and Counsyl); PubMed 20920871 (cited by Labcorp Genetics (formerly Invitae), Labcorp); PubMed 32668217 (cited by Natera, Inc.); PubMed 26655635 (cited by Natera, Inc.); PubMed 10394930 (cited by Counsyl); PubMed 17924342 (cited by Counsyl); PubMed 11588399 (cited by Counsyl).

NM_000277.3(PAH):c.581T>C (p.Leu194Pro)

Gene: PAH (phenylalanine hydroxylase; minus strand). Cytogenetic location: 12q23.2.
Variant type: single nucleotide variant.
Coding change: c.581T>C on transcript NM_000277.3 (MANE Select); coding-DNA position 581, T replaced by C.
Protein change: p.Leu194Pro; replaces leucine 194 with proline.
Molecular consequence: missense variant.
Genome position (GRCh38, 1-based): chr12:102,855,261, A>G on the plus strand (T>C on the coding strand, the complement: PAH is on the minus strand). VCF-style: chr12-102855261-A-G. GRCh37 (hg19) VCF-style: chr12-103249039-A-G.
Other names: NM_000277.2(PAH):c.581T>C; c.581T>C (NM_000277.2); c.581T>C, p.Leu194Pro (NM_001354304.2); short protein forms L194P.
Identifiers: ClinVar variation 102742 (VCV000102742.22), dbSNP rs5030844, ClinGen allele CA229633.